The following is an entry in ClinVar:

NM_006005.3(WFS1):c.529C>A (p.Arg177Ser)

Gene: WFS1 (wolframin ER transmembrane glycoprotein; plus strand). Cytogenetic location: 4p16.1.
Variant type: single nucleotide variant.
Coding change: c.529C>A on transcript NM_006005.3 (MANE Select); coding-DNA position 529, C replaced by A.
Protein change: p.Arg177Ser; replaces arginine 177 with serine.
Molecular consequence: missense variant.
Genome position (GRCh38, 1-based): chr4:6,291,265, C>A. VCF-style: chr4-6291265-C-A. GRCh37 (hg19) VCF-style: chr4-6292992-C-A.
Other names: c.529C>A, p.Arg177Ser (NM_001145853.1); short protein forms R177S.
Identifiers: ClinVar variation 4763782 (VCV004763782.1).

ClinVar aggregate classification (germline): Uncertain significance (1 of 4 stars; one submission).

gnomAD v4.1: 1 of 1,613,140 alleles (0.000062%); highest among the groups gnomAD compares: East Asian, 0.0022%; no homozygotes.

Submission:

Labcorp Genetics (formerly Invitae), Labcorp
Classification: Uncertain significance. Last evaluated: 2025-07-13. Review status: criteria provided, single submitter. Criteria: Invitae Variant Classification Sherloc (09022015). Collection method: clinical testing. Allele origin: germline.
Comment: This sequence change replaces arginine, which is basic and polar, with serine, which is neutral and polar, at codon 177 of the WFS1 protein (p.Arg177Ser). This variant is present in population databases (rs760631912, gnomAD 0.006%). This missense change has been observed in individual(s) with clinical features of WFS1-related conditions (PMID: 33841295, 34686905, 37974252). Invitae Evidence Modeling of protein sequence and biophysical properties (such as structural, functional, and spatial information, amino acid conservation, physicochemical variation, residue mobility, and thermodynamic stability) indicates that this missense variant is not expected to disrupt WFS1 protein function with a negative predictive value of 80%. This variant disrupts the p.Arg177 amino acid residue in WFS1. Other variant(s) that disrupt this residue have been determined to be pathogenic (PMID: 29183106, 33841295, 37974252). This suggests that this residue is clinically significant, and that variants that disrupt this residue are likely to be disease-causing. In summary, the available evidence is currently insufficient to determine the role of this variant in disease. Therefore, it has been classified as a Variant of Uncertain Significance.

Literature cited by the submitters: PubMed 33841295; PubMed 34686905; PubMed 37974252; PubMed 29183106.